The following is an entry in ClinVar:

ClinVar aggregate classification (germline): Uncertain significance (1 of 4 stars; one submission).

Conditions:
Hereditary cancer-predisposing syndrome. Also called: Hereditary neoplastic syndrome; Neoplastic Syndromes, Hereditary; Tumor predisposition; Hereditary Cancer Syndrome. Identifiers: Orphanet 140162, MedGen C0027672, MeSH D009386, MONDO:0015356.

Submission:

Ambry Genetics
Classification: Uncertain significance for Hereditary cancer-predisposing syndrome. Last evaluated: 2018-11-02. Review status: criteria provided, single submitter. Criteria: Ambry Variant Classification Scheme 2023. Collection method: clinical testing. Allele origin: germline.
Comment: The p.K3043N variant (also known as c.9129A>C), located in coding exon 62 of the ATM gene, results from an A to C substitution at nucleotide position 9129. The lysine at codon 3043 is replaced by asparagine, an amino acid with similar properties. This amino acid position is highly conserved in available vertebrate species. In addition, this alteration is predicted to be tolerated by in silico analysis. Since supporting evidence is limited at this time, the clinical significance of this alteration remains unclear.

NM_000051.4(ATM):c.9129A>C (p.Lys3043Asn)

Genes: ATM (ATM serine/threonine kinase; plus strand), C11orf65 (chromosome 11 open reading frame 65; minus strand). Cytogenetic location: 11q22.3.
Variant type: single nucleotide variant.
Coding change: c.9129A>C on transcript NM_000051.4 (MANE Select); coding-DNA position 9129, A replaced by C.
Protein change: p.Lys3043Asn; replaces lysine 3043 with asparagine.
Molecular consequence: missense variant. On other transcripts: intron variant (2).
Genome position (GRCh38, 1-based): chr11:108,365,466, A>C. VCF-style: chr11-108365466-A-C. GRCh37 (hg19) VCF-style: chr11-108236193-A-C.
Other names: c.9129A>C, p.Lys3043Asn (NM_001351834.2); c.640+20454T>G (NM_001330368.2); c.694+20454T>G (NM_001351110.2); short protein forms K3043N.
Identifiers: ClinVar variation 1765891 (VCV001765891.2), dbSNP rs2137925929, ClinGen allele CA382532066.